The following is an entry in ClinVar:

ClinVar aggregate classification (germline): Uncertain significance (1 of 4 stars; one submission).

Allele frequency attached by ClinVar (database versions not stated): ExAC 0.00001; gnomAD 0.00001; gnomAD exomes 0.00001; TOPMed 0.00002; ESP Exome Variant Server 0.00016.
gnomAD v4.1: 16 of 1,609,880 alleles (0.00099%); highest among the groups gnomAD compares: Admixed American, 0.005%; no homozygotes.

Submission:

Labcorp Genetics (formerly Invitae), Labcorp
Classification: Uncertain significance. Last evaluated: 2024-04-29. Review status: criteria provided, single submitter. Criteria: Invitae Variant Classification Sherloc (09022015). Collection method: clinical testing. Allele origin: germline.
Comment: This sequence change replaces threonine, which is neutral and polar, with methionine, which is neutral and non-polar, at codon 556 of the GPAA1 protein (p.Thr556Met). This variant is present in population databases (rs375812008, gnomAD 0.02%). This variant has not been reported in the literature in individuals affected with GPAA1-related conditions. ClinVar contains an entry for this variant (Variation ID: 1900755). Advanced modeling of protein sequence and biophysical properties (such as structural, functional, and spatial information, amino acid conservation, physicochemical variation, residue mobility, and thermodynamic stability) performed at Invitae indicates that this missense variant is not expected to disrupt GPAA1 protein function with a negative predictive value of 80%. In summary, the available evidence is currently insufficient to determine the role of this variant in disease. Therefore, it has been classified as a Variant of Uncertain Significance.

NM_003801.4(GPAA1):c.1667C>T (p.Thr556Met)

Gene: GPAA1 (glycosylphosphatidylinositol anchor attachment 1; plus strand). Cytogenetic location: 8q24.3.
Variant type: single nucleotide variant.
Coding change: c.1667C>T on transcript NM_003801.4 (MANE Select); coding-DNA position 1667, C replaced by T.
Protein change: p.Thr556Met; replaces threonine 556 with methionine.
Molecular consequence: missense variant.
Genome position (GRCh38, 1-based): chr8:144,085,926, C>T. VCF-style: chr8-144085926-C-T. GRCh37 (hg19) VCF-style: chr8-145140829-C-T.
Other names: short protein forms T556M.
Identifiers: ClinVar variation 1900755 (VCV001900755.4), dbSNP rs375812008, ClinGen allele CA4933230.